The following is an entry in ClinVar:

ClinVar aggregate classification (germline): Benign/Likely benign. Review status: criteria provided, multiple submitters, no conflicts (2 of 4 stars). 4 submissions from 4 submitters: Benign (1); Likely benign (2). 1 of the submissions does not count toward it. Last evaluated 2025-09-23.

Conditions:
KMT2D-related disorder. Also called: KMT2D-Related Disorders.
Kabuki syndrome. Also called: NIIKAWA-KUROKI SYNDROME; Kabuki make-up syndrome. Identifiers: Orphanet 2322, MedGen C0796004, MONDO:0016512.

Allele frequency attached by ClinVar (database versions not stated): gnomAD exomes 0.00001; ExAC 0.00002; TOPMed 0.00002; gnomAD 0.00003.

Submissions (4):

Labcorp Genetics (formerly Invitae), Labcorp
Classification: Benign for Kabuki syndrome. Last evaluated: 2025-09-23. Review status: criteria provided, single submitter. Criteria: Invitae Variant Classification Sherloc (09022015). Collection method: clinical testing. Allele origin: germline.

Blueprint Genetics
Classification: Likely benign. Last evaluated: 2022-01-12. Review status: criteria provided, single submitter. Criteria: ACMG Guidelines, 2015. Collection method: clinical testing. Allele origin: germline.

ARUP Laboratories, Molecular Genetics and Genomics, ARUP Laboratories
Classification: Likely benign. Last evaluated: 2016-12-28. Review status: criteria provided, single submitter. Criteria: ARUP Molecular Germline Variant Investigation Process. Collection method: clinical testing. Allele origin: germline.

PreventionGenetics, part of Exact Sciences
Classification: Likely benign for KMT2D-related condition. Last evaluated: 2024-02-21. Review status: no assertion criteria provided. Collection method: clinical testing. Allele origin: germline. Not counted in ClinVar's aggregate classification.
Comment: This variant is classified as likely benign based on ACMG/AMP sequence variant interpretation guidelines (Richards et al. 2015 PMID: 25741868, with internal and published modifications).

NM_003482.4(KMT2D):c.16197G>A (p.Val5399=)

Gene: KMT2D (lysine methyltransferase 2D; minus strand). Cytogenetic location: 12q13.12.
Variant type: single nucleotide variant.
Coding change: c.16197G>A on transcript NM_003482.4 (MANE Select); coding-DNA position 16197, G replaced by A.
Protein change: p.Val5399=; no amino-acid change (valine 5399 retained).
Molecular consequence: synonymous variant.
Genome position (GRCh38, 1-based): chr12:49,022,731, C>T on the plus strand (G>A on the coding strand, the complement: KMT2D is on the minus strand). VCF-style: chr12-49022731-C-T. GRCh37 (hg19) VCF-style: chr12-49416514-C-T.
Identifiers: ClinVar variation 439850 (VCV000439850.15), dbSNP rs776542344, ClinGen allele CA6545415.